The following is an entry in ClinVar:

NM_001267550.2(TTN):c.43693C>T (p.Gln14565Ter)

Gene: TTN (titin; minus strand). Cytogenetic location: 2q31.2.
Variant type: single nucleotide variant.
Coding change: c.43693C>T on transcript NM_001267550.2 (MANE Select); coding-DNA position 43693, C replaced by T.
Protein change: p.Gln14565Ter; replaces glutamine 14565 with a stop codon.
Molecular consequence: nonsense.
Genome position (GRCh38, 1-based): chr2:178,632,201, G>A on the plus strand (C>T on the coding strand, the complement: TTN is on the minus strand). VCF-style: chr2-178632201-G-A. GRCh37 (hg19) VCF-style: chr2-179496928-G-A.
Other names: c.38770C>T, p.Gln12924Ter (NM_001256850.1); c.16498C>T, p.Gln5500Ter (NM_003319.4); c.35989C>T, p.Gln11997Ter (NM_133378.4); c.16873C>T, p.Gln5625Ter (NM_133432.3); c.17074C>T, p.Gln5692Ter (NM_133437.4); short protein forms Q5500*, Q5625*, Q12924*, Q5692*, Q11997*, Q14565*.
Identifiers: ClinVar variation 2134189 (VCV002134189.7), dbSNP rs2471453840, ClinGen allele CA349649369.
Genomic context (GRCh38, chr2:178,632,201, plus strand): 5'-ACTTACCAAGCACAGTGAGTTTAGCTTCTGAACTCATCCCCATAGCTTCTACTCTAATTT[G>A]GGAGGTGTCATCAATAGACAGGTCTTTGAATGTGATCGAATGAGTTTTCCCTTCGTCTTG-3'

ClinVar aggregate classification (germline): Pathogenic/Likely pathogenic. Review status: criteria provided, multiple submitters, no conflicts (2 of 4 stars). 2 submissions from 2 submitters: Pathogenic (1); Likely pathogenic (1). Last evaluated 2026-01-05.

Conditions:
Dilated cardiomyopathy 1G (CMD1G). Identifiers: Orphanet 154, MedGen C1858763, MONDO:0011400, OMIM 604145.
Autosomal recessive limb-girdle muscular dystrophy type 2J (LGMDR10). Also called: MUSCULAR DYSTROPHY, LIMB-GIRDLE, AUTOSOMAL RECESSIVE 10; Limb-girdle muscular dystrophy, type 2J. Identifiers: Orphanet 140922, MedGen C1837342, MONDO:0012127, OMIM 608807.
Primary familial dilated cardiomyopathy (FDC). Also called: Hypokinetic dilated cardiomyopathy, familial; Familial dilated cardiomyopathy. Identifiers: Orphanet 217607, MedGen C0340427, MONDO:0016333.

Submissions (2):

Labcorp Genetics (formerly Invitae), Labcorp
Classification: Pathogenic for Dilated cardiomyopathy 1G; Autosomal recessive limb-girdle muscular dystrophy type 2J. Last evaluated: 2026-01-05. Review status: criteria provided, single submitter. Criteria: Invitae Variant Classification Sherloc (09022015). Collection method: clinical testing. Allele origin: germline.
Comment: This sequence change creates a premature translational stop signal (p.Gln14565*) in the TTN gene. While this is not anticipated to result in nonsense mediated decay, it is expected to create a truncated TTN protein. This variant is not present in population databases (gnomAD no frequency). This premature translational stop signal has been observed in individuals with autosomal dominant dilated cardiomyopathy (internal data). ClinVar contains an entry for this variant (Variation ID: 2134189). This variant is located in the I band of TTN (PMID: 25589632). Truncating variants in this region have been reported in individuals affected with autosomal recessive centronuclear myopathy (PMID: 23975875, internal data). Truncating variants in this region have also been identified in individuals affected with autosomal dominant dilated cardiomyopathy and/or cardio-related conditions (PMID: 27869827, 32964742, internal data). For these reasons, this variant has been classified as Pathogenic.

Women's Health and Genetics/Laboratory Corporation of America, LabCorp
Classification: Likely pathogenic for Primary familial dilated cardiomyopathy. Last evaluated: 2025-01-17. Review status: criteria provided, single submitter. Criteria: LabCorp Variant Classification Summary - May 2015. Collection method: clinical testing. Allele origin: germline.
Comment: Variant summary: TTN NM_133378:c.35989C>T (p.Gln11997X) (also known as NM_001267550:c.43693C>T (p.Gln14565X)) results in a premature termination codon, predicted to cause absence of the protein due to nonsense mediated decay, which is a commonly known mechanism for disease. Loss of function variants in all TTN bands are strongly associated with a spectrum of autosomal recessive titinopathies when exon expression (proportion spliced in, PSI, 1=complete expression) in skeletal muscle is >0.1 (PMID: 36977548, 39198997, 29598826, 32778822, 29691892, 33449170, 36977548, internal data). In contrast, loss of function variants in all TTN bands are only strongly associated with autosomal dominant TTN-related cardiomyopathies if located in exons constitutively expressed (PSI >0.9) in cardiac muscle, excluding extreme C-terminal exons 359-363 (PMID: 25589632, 31216868, 32964742, 34662387, 27869827, Shetty et al., Nat Cardiovasc Res 2024,, internal data). This variant has a maximum skeletal muscle PSI of 0.959 and a maximum cardiac muscle PSI of 1.000 (PMID 39198997). The variant was absent in 240092 control chromosomes. To our knowledge, no occurrence of c.35989C>T in individuals affected with TTN-related conditions and no experimental evidence demonstrating its impact on protein function have been reported. ClinVar contains an entry for this variant (Variation ID: 2134189). Based on the evidence outlined above, the variant was classified as likely pathogenic for both autosomal dominant and autosomal recessive TTN-related conditions.

Literature cited by the submitters: PubMed 25589632 (cited by Labcorp Genetics (formerly Invitae), Labcorp); PubMed 23975875 (cited by Labcorp Genetics (formerly Invitae), Labcorp); PubMed 27869827 (cited by Labcorp Genetics (formerly Invitae), Labcorp); PubMed 32964742 (cited by Labcorp Genetics (formerly Invitae), Labcorp).